The following is an entry in ClinVar:

NM_001267550.2(TTN):c.83243T>G (p.Leu27748Ter)

Genes: TTN-AS1 (TTN antisense RNA 1; plus strand), TTN (titin; minus strand). Cytogenetic location: 2q31.2.
Variant type: single nucleotide variant.
Coding change: c.83243T>G on transcript NM_001267550.2 (MANE Select); coding-DNA position 83243, T replaced by G.
Protein change: p.Leu27748Ter; replaces leucine 27748 with a stop codon.
Molecular consequence: nonsense.
Genome position (GRCh38, 1-based): chr2:178,562,889, A>C on the plus strand (T>G on the coding strand, the complement: TTN is on the minus strand). VCF-style: chr2-178562889-A-C. GRCh37 (hg19) VCF-style: chr2-179427616-A-C.
Other names: c.78320T>G, p.Leu26107Ter (NM_001256850.1); c.56048T>G, p.Leu18683Ter (NM_003319.4); c.75539T>G, p.Leu25180Ter (NM_133378.4); c.56423T>G, p.Leu18808Ter (NM_133432.3); c.56624T>G, p.Leu18875Ter (NM_133437.4); short protein forms L18683*, L18808*, L18875*, L25180*, L26107*, L27748*.
Identifiers: ClinVar variation 3751270 (VCV003751270.2).

ClinVar aggregate classification (germline): Likely pathogenic (1 of 4 stars; one submission).

Conditions:
Autosomal recessive limb-girdle muscular dystrophy type 2J (LGMDR10). Also called: Limb-girdle muscular dystrophy, type 2J; MUSCULAR DYSTROPHY, LIMB-GIRDLE, AUTOSOMAL RECESSIVE 10. Identifiers: Orphanet 140922, MedGen C1837342, MONDO:0012127, OMIM 608807.
Dilated cardiomyopathy 1G (CMD1G). Identifiers: Orphanet 154, MedGen C1858763, MONDO:0011400, OMIM 604145.

gnomAD v4.1: 5 of 1,613,384 alleles (0.00031%); highest among the groups gnomAD compares: Non-Finnish European, 0.00042%; no homozygotes.

Submission:

Labcorp Genetics (formerly Invitae), Labcorp
Classification: Likely pathogenic for Dilated cardiomyopathy 1G; Autosomal recessive limb-girdle muscular dystrophy type 2J. Last evaluated: 2025-10-21. Review status: criteria provided, single submitter. Criteria: Invitae Variant Classification Sherloc (09022015). Collection method: clinical testing. Allele origin: germline.
Comment: This sequence change creates a premature translational stop signal (p.Leu27748*) in the TTN gene. While this is not anticipated to result in nonsense mediated decay, it is expected to create a truncated TTN protein. This variant is not present in population databases (gnomAD no frequency). This premature translational stop signal has been observed in individual(s) with TTN-related conditions (PMID: 39472908). ClinVar contains an entry for this variant (Variation ID: 3751270). This variant is located in the A band of TTN (PMID: 25589632). Truncating variants in this region are significantly overrepresented in patients affected with dilated cardiomyopathy (PMID: 25589632). Truncating variants in this region have also been reported in individuals affected with autosomal recessive centronuclear myopathy (PMID: 23975875). In summary, the currently available evidence indicates that the variant is pathogenic, but additional data are needed to prove that conclusively. Therefore, this variant has been classified as Likely Pathogenic.

Literature cited by the submitters: PubMed 39472908; PubMed 25589632; PubMed 23975875.